The following is an entry in ClinVar:

ClinVar aggregate classification (germline): Pathogenic/Likely pathogenic. Review status: criteria provided, multiple submitters, no conflicts (2 of 4 stars). 2 submissions from 2 submitters: Pathogenic (1); Likely pathogenic (1). Last evaluated 2023-03-11.

Conditions:
Glycine encephalopathy. Also called: Nonketotic hyperglycinemia; Non-ketotic hyperglycinemia. Identifiers: Orphanet 407, MedGen C0751748, MONDO:0011612, HP:0008288.

Submissions (2):

Baylor Genetics
Classification: Likely pathogenic for Glycine encephalopathy 1. Last evaluated: 2023-03-11. Review status: criteria provided, single submitter. Criteria: ACMG Guidelines, 2015. Collection method: clinical testing. Allele origin: unknown.

Labcorp Genetics (formerly Invitae), Labcorp
Classification: Pathogenic for Glycine encephalopathy. Last evaluated: 2019-10-24. Review status: criteria provided, single submitter. Criteria: Invitae Variant Classification Sherloc (09022015). Collection method: clinical testing. Allele origin: germline.
Comment: This variant is not present in population databases (ExAC no frequency). This variant has not been reported in the literature in individuals with AMT-related conditions. This variant disrupts the C-terminus of the AMT protein. Other variant(s) that disrupt this region (p.Tyr369*) have been determined to be pathogenic (PMID: 27362913). This suggests that variants that disrupt this region of the protein are likely to be causative of disease. For these reasons, this variant has been classified as Pathogenic. This sequence change results in a premature translational stop signal in the AMT gene (p.Ser353Profs*4). While this is not anticipated to result in nonsense mediated decay, it is expected to disrupt the last 51 amino acids of the AMT protein.

Literature cited by the submitters: PubMed 27362913 (cited by Labcorp Genetics (formerly Invitae), Labcorp).

NM_000481.4(AMT):c.1056del (p.Ser353fs)

Gene: AMT (aminomethyltransferase; minus strand). Cytogenetic location: 3p21.31.
Variant type: Deletion.
Coding change: c.1056del on transcript NM_000481.4 (MANE Select); coding-DNA position 1056, one base deleted (C; older notation c.1056delC).
Protein change: p.Ser353fs; shifts the reading frame from serine 353.
Molecular consequence: frameshift variant. On other transcripts: non-coding transcript variant (1).
Genome position (GRCh38, 1-based): chr3:49,417,696, G deleted on the plus strand (C on the coding strand, the reverse complement: AMT is on the minus strand); the first of 4 consecutive G bases (chr3:49,417,696-49,417,699); deleting any one gives the same sequence. VCF-style (leftmost placement, unchanged base first): chr3-49417695-AG-A. GRCh37 (hg19) VCF-style: chr3-49455128-AG-A.
Other names: c.924del, p.Ser309fs (NM_001164710.2); c.888del, p.Ser297fs (NM_001164711.2); c.1056del, p.Ser353fs (NM_001164712.2); short protein forms S309fs, S297fs, S353fs.
Identifiers: ClinVar variation 954185 (VCV000954185.8), dbSNP rs2049022161, ClinGen allele CA1139658083.